The following is an entry in ClinVar:

ClinVar aggregate classification (germline): Uncertain significance (1 of 4 stars; one submission).

Allele frequency attached by ClinVar (database versions not stated): gnomAD exomes below 0.00001.
gnomAD v4.1: 1 of 1,613,634 alleles (0.000062%); highest among the groups gnomAD compares: Admixed American, 0.0017%; no homozygotes.

Submission:

Labcorp Genetics (formerly Invitae), Labcorp
Classification: Uncertain significance. Last evaluated: 2021-09-30. Review status: criteria provided, single submitter. Criteria: Invitae Variant Classification Sherloc (09022015). Collection method: clinical testing. Allele origin: germline.
Comment: This sequence change replaces glutamine with glutamic acid at codon 3675 of the USH2A protein (p.Gln3675Glu). The glutamine residue is highly conserved and there is a small physicochemical difference between glutamine and glutamic acid. This variant is not present in population databases (ExAC no frequency). This variant has not been reported in the literature in individuals affected with USH2A-related conditions. Algorithms developed to predict the effect of missense changes on protein structure and function are either unavailable or do not agree on the potential impact of this missense change (SIFT: "Deleterious"; PolyPhen-2: "Benign"; Align-GVGD: "Class C0"). In summary, the available evidence is currently insufficient to determine the role of this variant in disease. Therefore, it has been classified as a Variant of Uncertain Significance.

NM_206933.4(USH2A):c.11023C>G (p.Gln3675Glu)

Gene: USH2A (usherin; minus strand). Cytogenetic location: 1q41.
Variant type: single nucleotide variant.
Coding change: c.11023C>G on transcript NM_206933.4 (MANE Select); coding-DNA position 11023, C replaced by G.
Protein change: p.Gln3675Glu; replaces glutamine 3675 with glutamic acid.
Molecular consequence: missense variant.
Genome position (GRCh38, 1-based): chr1:215,766,705, G>C on the plus strand (C>G on the coding strand, the complement: USH2A is on the minus strand). VCF-style: chr1-215766705-G-C. GRCh37 (hg19) VCF-style: chr1-215940047-G-C.
Other names: short protein forms Q3675E.
Identifiers: ClinVar variation 1405376 (VCV001405376.3), dbSNP rs2102748093, ClinGen allele CA344826871.